The following is an entry in ClinVar:

NM_021813.4(BACH2):c.2125C>G (p.Leu709Val)

Gene: BACH2 (BACH transcriptional regulator 2; minus strand). Cytogenetic location: 6q15.
Variant type: single nucleotide variant.
Coding change: c.2125C>G on transcript NM_021813.4 (MANE Select); coding-DNA position 2125, C replaced by G.
Protein change: p.Leu709Val; replaces leucine 709 with valine.
Molecular consequence: missense variant.
Genome position (GRCh38, 1-based): chr6:89,932,809, G>C on the plus strand (C>G on the coding strand, the complement: BACH2 is on the minus strand). VCF-style: chr6-89932809-G-C. GRCh37 (hg19) VCF-style: chr6-90642528-G-C.
Other names: c.2125C>G, p.Leu709Val (NM_001170794.2); short protein forms L709V.
Identifiers: ClinVar variation 3674582 (VCV003674582.2).

ClinVar aggregate classification (germline): Uncertain significance (1 of 4 stars; one submission).

Submission:

Labcorp Genetics (formerly Invitae), Labcorp
Classification: Uncertain significance. Last evaluated: 2024-06-15. Review status: criteria provided, single submitter. Criteria: Invitae Variant Classification Sherloc (09022015). Collection method: clinical testing. Allele origin: germline.
Comment: This sequence change replaces leucine, which is neutral and non-polar, with valine, which is neutral and non-polar, at codon 709 of the BACH2 protein (p.Leu709Val). This variant is not present in population databases (gnomAD no frequency). This variant has not been reported in the literature in individuals affected with BACH2-related conditions. Advanced modeling of protein sequence and biophysical properties (such as structural, functional, and spatial information, amino acid conservation, physicochemical variation, residue mobility, and thermodynamic stability) has been performed at Invitae for this missense variant, however the output from this modeling did not meet the statistical confidence thresholds required to predict the impact of this variant on BACH2 protein function. In summary, the available evidence is currently insufficient to determine the role of this variant in disease. Therefore, it has been classified as a Variant of Uncertain Significance.